The following is an entry in ClinVar:

NM_015602.4(TOR1AIP1):c.361G>A (p.Glu121Lys)

Genes: TOR1AIP1 (torsin 1A interacting protein 1; plus strand), LOC112577517 (Sharpr-MPRA regulatory region 13766; plus strand). Cytogenetic location: 1q25.2.
Variant type: single nucleotide variant.
Coding change: c.361G>A on transcript NM_015602.4 (MANE Select); coding-DNA position 361, G replaced by A.
Protein change: p.Glu121Lys; replaces glutamic acid 121 with lysine.
Molecular consequence: missense variant.
Genome position (GRCh38, 1-based): chr1:179,882,863, G>A. VCF-style: chr1-179882863-G-A. GRCh37 (hg19) VCF-style: chr1-179851998-G-A.
Other names: c.361G>A, p.Glu121Lys (NM_001267578.2); short protein forms E121K.
Identifiers: ClinVar variation 582939 (VCV000582939.9), dbSNP rs199933063, ClinGen allele CA1268727.
Genomic context (GRCh38, chr1:179,882,863, plus strand): 5'-GAAAGCGCGTACTACCTTCGGTCTAGGCAGCGGAGGCAGCCGCGACCCCAGGAAACCGAG[G>A]AAATGAAGACGCGAAGGACTACCCGCCTTCAGCAGCAGCACTCAGAGCAGCCTCCGCTAC-3'
Protein context (NP_056417.2, residues 111-131): RRQPRPQETE[Glu121Lys]MKTRRTTRLQ

ClinVar aggregate classification (germline): Conflicting classifications of pathogenicity. Review status: criteria provided, conflicting classifications (1 of 4 stars). 3 submissions from 3 submitters: Uncertain significance (2); Likely benign (1). Last evaluated 2026-09-30.

Conditions:
Autosomal recessive limb-girdle muscular dystrophy type 2Y (MRRSDC). Also called: Muscular dystrophy, limb-girdle, type 2y; Muscular dystrophy, autosomal recessive, with rigid spine and distal joint contractures. Identifiers: Orphanet 424261, MedGen C4511482, MONDO:0014900, OMIM 617072.

Allele frequency attached by ClinVar (database versions not stated): TOPMed 0.00005; 1000 Genomes Project 30x 0.00016; gnomAD exomes 0.00038 and 0.00015; ExAC 0.00046; gnomAD 0.00016 and 0.00015; ESP Exome Variant Server 0.00008; 1000 Genomes Project 0.00020.
gnomAD v4.1: 264 of 1,614,232 alleles (0.016%); highest among the groups gnomAD compares: Middle Eastern, 0.033%; no homozygotes.

Submissions (3):

GeneDx
Classification: Uncertain significance. Last evaluated: 2026-09-30. Review status: criteria provided, single submitter. Criteria: GeneDx Variant Classification Process June 2021. Collection method: clinical testing. Allele origin: germline.
Comment: In silico analysis supports that this missense variant has a deleterious effect on protein structure/function; Has not been previously published as pathogenic or benign to our knowledge

Labcorp Genetics (formerly Invitae), Labcorp
Classification: Likely benign for Autosomal recessive limb-girdle muscular dystrophy type 2Y. Last evaluated: 2026-01-22. Review status: criteria provided, single submitter. Criteria: Invitae Variant Classification Sherloc (09022015). Collection method: clinical testing. Allele origin: germline.

Blueprint Genetics
Classification: Uncertain significance. Last evaluated: 2024-10-01. Review status: criteria provided, single submitter. Criteria: ACMG Guidelines, 2015. Collection method: clinical testing. Allele origin: germline.